The following is an entry in ClinVar:

NM_001365951.3(KIF1B):c.4421G>C (p.Gly1474Ala)

Gene: KIF1B (kinesin family member 1B; plus strand). Cytogenetic location: 1p36.22.
Variant type: single nucleotide variant.
Coding change: c.4421G>C on transcript NM_001365951.3 (MANE Select); coding-DNA position 4421, G replaced by C.
Protein change: p.Gly1474Ala; replaces glycine 1474 with alanine.
Molecular consequence: missense variant.
Genome position (GRCh38, 1-based): chr1:10,365,154, G>C. VCF-style: chr1-10365154-G-C. GRCh37 (hg19) VCF-style: chr1-10425212-G-C.
Other names: c.4421G>C, p.Gly1474Ala (NM_001365952.1); c.4283G>C, p.Gly1428Ala (NM_015074.3); short protein forms G1428A, G1474A.
Identifiers: ClinVar variation 2877898 (VCV002877898.3), dbSNP rs770712102, ClinGen allele CA582079.

ClinVar aggregate classification (germline): Uncertain significance (1 of 4 stars; one submission).

Conditions:
Charcot-Marie-Tooth disease type 2. Also called: Charcot-Marie-Tooth type 2. Identifiers: Orphanet 64746, MedGen C0270914, MONDO:0018993.

Allele frequency attached by ClinVar (database versions not stated): ExAC 0.00001.
gnomAD v4.1: 1 of 1,614,098 alleles (0.000062%); highest among the groups gnomAD compares: Admixed American, 0.0017%; no homozygotes.

Submission:

Labcorp Genetics (formerly Invitae), Labcorp
Classification: Uncertain significance for Charcot-Marie-Tooth disease type 2. Last evaluated: 2023-03-24. Review status: criteria provided, single submitter. Criteria: Invitae Variant Classification Sherloc (09022015). Collection method: clinical testing. Allele origin: germline.
Comment: This variant is present in population databases (rs770712102, gnomAD 0.003%). This sequence change replaces glycine, which is neutral and non-polar, with alanine, which is neutral and non-polar, at codon 1428 of the KIF1B protein (p.Gly1428Ala). This variant has not been reported in the literature in individuals affected with KIF1B-related conditions. An algorithm developed to predict the effect of missense changes on protein structure and function (PolyPhen-2) suggests that this variant is likely to be disruptive. In summary, the available evidence is currently insufficient to determine the role of this variant in disease. Therefore, it has been classified as a Variant of Uncertain Significance.